The following is an entry in ClinVar:

ClinVar aggregate classification (germline): Uncertain significance (1 of 4 stars; one submission).

Conditions:
Hermansky-Pudlak syndrome 2 (HPS2). Also called: Platelet defects and oculocutaneous albinism. Identifiers: Orphanet 183678, Orphanet 79430, MedGen C1842362, MONDO:0011997, OMIM 608233.

Submission:

Labcorp Genetics (formerly Invitae), Labcorp
Classification: Uncertain significance for Hermansky-Pudlak syndrome 2. Last evaluated: 2024-10-22. Review status: criteria provided, single submitter. Criteria: Invitae Variant Classification Sherloc (09022015). Collection method: clinical testing. Allele origin: germline.
Comment: This sequence change replaces glycine, which is neutral and non-polar, with aspartic acid, which is acidic and polar, at codon 927 of the AP3B1 protein (p.Gly927Asp). This variant is not present in population databases (gnomAD no frequency). This variant has not been reported in the literature in individuals affected with AP3B1-related conditions. ClinVar contains an entry for this variant (Variation ID: 1376119). An algorithm developed to predict the effect of missense changes on protein structure and function (PolyPhen-2) suggests that this variant is likely to be disruptive. In summary, the available evidence is currently insufficient to determine the role of this variant in disease. Therefore, it has been classified as a Variant of Uncertain Significance.

NM_003664.5(AP3B1):c.2780G>A (p.Gly927Asp)

Gene: AP3B1 (adaptor related protein complex 3 subunit beta 1; minus strand). Cytogenetic location: 5q14.1.
Variant type: single nucleotide variant.
Coding change: c.2780G>A on transcript NM_003664.5 (MANE Select); coding-DNA position 2780, G replaced by A.
Protein change: p.Gly927Asp; replaces glycine 927 with aspartic acid.
Molecular consequence: missense variant.
Genome position (GRCh38, 1-based): chr5:78,039,072, C>T on the plus strand (G>A on the coding strand, the complement: AP3B1 is on the minus strand). VCF-style: chr5-78039072-C-T. GRCh37 (hg19) VCF-style: chr5-77334896-C-T.
Other names: c.2633G>A, p.Gly878Asp (NM_001271769.2); short protein forms G878D, G927D.
Identifiers: ClinVar variation 1376119 (VCV001376119.7), dbSNP rs866308304, ClinGen allele CA121596971.
Genomic context (GRCh38, chr5:78,039,072, plus strand): 5'-GTTAAGGTTTTAAATGAGAATTAATATTTACCTATTGGATTAAAAACATGCATTTTCATG[C>T]CTATAGGAAGTTTTTTTTCCCCTATGTGGATATTTTCTATCTTTCGATCAGTAGTGTTAT-3'
Protein context (NP_003655.3, residues 917-937): IHIGEKKLPI[Gly927Asp]MKMHVFNPID